The following is an entry in ClinVar:

ClinVar aggregate classification (germline): Uncertain significance (1 of 4 stars; one submission).

Allele frequency attached by ClinVar (database versions not stated): TOPMed below 0.00001.

Submission:

Labcorp Genetics (formerly Invitae), Labcorp
Classification: Uncertain significance. Last evaluated: 2022-05-01. Review status: criteria provided, single submitter. Criteria: Invitae Variant Classification Sherloc (09022015). Collection method: clinical testing. Allele origin: germline.
Comment: In summary, the available evidence is currently insufficient to determine the role of this variant in disease. Therefore, it has been classified as a Variant of Uncertain Significance. Algorithms developed to predict the effect of missense changes on protein structure and function (SIFT, PolyPhen-2, Align-GVGD) all suggest that this variant is likely to be disruptive. This variant has not been reported in the literature in individuals affected with NOTCH3-related conditions. This variant is not present in population databases (gnomAD no frequency). This sequence change replaces aspartic acid, which is acidic and polar, with valine, which is neutral and non-polar, at codon 276 of the NOTCH3 protein (p.Asp276Val).

NM_000435.3(NOTCH3):c.827A>T (p.Asp276Val)

Gene: NOTCH3 (notch receptor 3; minus strand). Cytogenetic location: 19p13.12.
Variant type: single nucleotide variant.
Coding change: c.827A>T on transcript NM_000435.3 (MANE Select); coding-DNA position 827, A replaced by T.
Protein change: p.Asp276Val; replaces aspartic acid 276 with valine.
Molecular consequence: missense variant.
Genome position (GRCh38, 1-based): chr19:15,191,633, T>A on the plus strand (A>T on the coding strand, the complement: NOTCH3 is on the minus strand). VCF-style: chr19-15191633-T-A. GRCh37 (hg19) VCF-style: chr19-15302444-T-A.
Other names: short protein forms D276V.
Identifiers: ClinVar variation 2132501 (VCV002132501.4), dbSNP rs2046927467, ClinGen allele CA404531799.